The following is an entry in ClinVar:

ClinVar aggregate classification (germline): Benign (1 of 4 stars; one submission).

Allele frequency attached by ClinVar (database versions not stated): 1000 Genomes Project 30x 0.22548; 1000 Genomes Project 0.22724; TOPMed 0.27362; gnomAD 0.29055 and 0.29197.
gnomAD v4.1: 44,596 of 152,178 alleles (29%); highest among the groups gnomAD compares: Non-Finnish European, 39%; 7,857 homozygotes.

Submission:

GeneDx
Classification: Benign. Last evaluated: 2018-06-19. Review status: criteria provided, single submitter. Criteria: GeneDx Variant Classification (06012015). Collection method: clinical testing. Allele origin: germline. Affected: yes.
Comment: This variant is considered likely benign or benign based on one or more of the following criteria: it is a conservative change, it occurs at a poorly conserved position in the protein, it is predicted to be benign by multiple in silico algorithms, and/or has population frequency not consistent with disease.

NM_201384.3(PLEC):c.1263+219C>T

Genes: PLEC (plectin; minus strand), LOC130001334 (ATAC-STARR-seq lymphoblastoid silent region 19628; plus strand). Cytogenetic location: 8q24.3.
Variant type: single nucleotide variant.
Coding change: c.1263+219C>T on transcript NM_201384.3 (MANE Select); 219 bases into the intron after coding-DNA position 1263, C replaced by T.
Molecular consequence: intron variant.
Genome position (GRCh38, 1-based): chr8:143,933,779, G>A on the plus strand (C>T on the coding strand, the complement: PLEC is on the minus strand). VCF-style: chr8-143933779-G-A. GRCh37 (hg19) VCF-style: chr8-145007947-G-A.
Other names: c.1344+219C>T (NM_000445.5); c.1221+219C>T (NM_201378.4); c.1197+219C>T (NM_201379.3); c.1674+219C>T (NM_201380.4); c.1167+219C>T (NM_201381.3); c.1263+219C>T (NM_201382.4); c.1275+219C>T (NM_201383.3).
Identifiers: ClinVar variation 667918 (VCV000667918.1), dbSNP rs6989119, ClinGen allele CA12780807.